The following is an entry in ClinVar:

NM_018699.4(PRDM5):c.475+2T>C

Gene: PRDM5 (PR/SET domain 5; minus strand). Cytogenetic location: 4q27.
Variant type: single nucleotide variant.
Coding change: c.475+2T>C on transcript NM_018699.4 (MANE Select); the canonical splice donor site of the intron after coding-DNA position 475, T replaced by C.
Molecular consequence: splice donor variant.
Genome position (GRCh38, 1-based): chr4:120,821,169, A>G on the plus strand (T>C on the coding strand, the complement: PRDM5 is on the minus strand). VCF-style: chr4-120821169-A-G. GRCh37 (hg19) VCF-style: chr4-121742324-A-G.
Other names: c.475+2T>C (NM_001300824.2, NM_001379106.1, NM_001300823.2 and 1 more transcripts).
Identifiers: ClinVar variation 1704586 (VCV001704586.1), dbSNP rs2478057377, ClinGen allele CA358208504.

ClinVar aggregate classification (germline): Likely pathogenic (1 of 4 stars; one submission).

Conditions:
Brittle cornea syndrome 2 (BCS2). Identifiers: Orphanet 90354, MedGen C3280011, MONDO:0013605, OMIM 614170.

gnomAD v4.1: 3 of 1,613,782 alleles (0.00019%); highest among the groups gnomAD compares: South Asian, 0.0033%; no homozygotes.

Submission:

Women's Health and Genetics/Laboratory Corporation of America, LabCorp
Classification: Likely pathogenic for Brittle cornea syndrome 2. Last evaluated: 2022-07-20. Review status: criteria provided, single submitter. Criteria: LabCorp Variant Classification Summary - May 2015. Collection method: clinical testing. Allele origin: germline.
Comment: Variant summary: PRDM5 c.475+2T>C is located in a canonical splice-site and is predicted to affect mRNA splicing resulting in a significantly altered protein due to either exon skipping, shortening, or inclusion of intronic material. Several computational tools predict a significant impact on normal splicing: Four predict the variant abolishes a 5 splicing donor site. However, these predictions have yet to be confirmed by functional studies. The variant was absent in 251350 control chromosomes. To our knowledge, no occurrence of c.475+2T>C in individuals affected with Brittle Cornea Syndrome 2 and no experimental evidence demonstrating its impact on protein function have been reported. No clinical diagnostic laboratories have submitted clinical-significance assessments for this variant to ClinVar after 2014. Based on the evidence outlined above, the variant was classified as likely pathogenic.